The following is an entry in ClinVar:

NM_170707.4(LMNA):c.1903G>A (p.Gly635Ser)

Gene: LMNA (lamin A/C; plus strand). Cytogenetic location: 1q22.
Variant type: single nucleotide variant.
Coding change: c.1903G>A on transcript NM_170707.4 (MANE Select); coding-DNA position 1903, G replaced by A.
Protein change: p.Gly635Ser; replaces glycine 635 with serine.
Molecular consequence: missense variant. On other transcripts: intron variant (1).
Genome position (GRCh38, 1-based): chr1:156,138,692, G>A. VCF-style: chr1-156138692-G-A. GRCh37 (hg19) VCF-style: chr1-156108483-G-A.
Other names: c.1567G>A, p.Gly523Ser (NM_001257374.3, NM_001406989.1); c.1903G>A, p.Gly635Ser (NM_001406983.1, NM_001406985.1, NM_001406991.1); c.1660G>A, p.Gly554Ser (NM_001406986.1, NM_001406987.1); c.1606G>A, p.Gly536Ser (NM_001406988.1); c.1345G>A, p.Gly449Ser (NM_001406990.1, NM_001406993.1, NM_001406995.1 and 2 more transcripts); c.1813G>A, p.Gly605Ser (NM_170708.4); c.1818+85G>A (NM_001282626.2); c.1903G>A (NM_170707.3); and 1 more; short protein forms G427S, G449S, G523S, G536S, G554S, G605S, G635S.
Identifiers: ClinVar variation 3069667 (VCV003069667.4), dbSNP rs1651876607, ClinGen allele CA342827772.

ClinVar aggregate classification (germline): Conflicting classifications of pathogenicity. Review status: criteria provided, conflicting classifications (1 of 4 stars). 4 submissions from 4 submitters: Uncertain significance (3); Likely benign (1). Last evaluated 2025-09-05.

Conditions:
LMNA-related disorder. Also called: LMNA-related disorders; LMNA-related condition; LMNA-related disease. Identifiers: MedGen CN380145.
Primary dilated cardiomyopathy (DCM). Also called: Dilated Cardiomyopathy. Identifiers: Orphanet 217604, MedGen C0007193, MeSH D002311, MONDO:0005021, HP:0001644. Inheritance: Various modes of inheritance.
Cardiomyopathy (CMYO). Also called: Cardiomyopathies. Identifiers: Orphanet 167848, MedGen C0878544, MONDO:0004994, HP:0001638. Inheritance: Various modes of inheritance.
Cardiovascular phenotype. Identifiers: MedGen CN230736.

Submissions (4):

Color Diagnostics, LLC DBA Color Health
Classification: Likely benign for Cardiomyopathy. Last evaluated: 2025-09-05. Review status: criteria provided, single submitter. Criteria: ACMG Guidelines, 2015. Collection method: clinical testing. Allele origin: germline.

PreventionGenetics, part of Exact Sciences
Classification: Uncertain significance for LMNA-related condition. Last evaluated: 2025-02-04. Review status: criteria provided, single submitter. Criteria: ACMG Guidelines, 2015. Collection method: clinical testing. Allele origin: germline.
Comment: The LMNA c.1903G>A variant is predicted to result in the amino acid substitution p.Gly635Ser. This variant (referred to as c.1813G>A, p.G605S in NM_170708) has been detected in an individual with dilated cardiomyopathy (Supplemental Table 6, Haas et al. 2015. PubMed ID: 25163546). This variant has not been reported in a large population database, indicating this variant is rare. At this time, the clinical significance of this variant is uncertain due to the absence of conclusive functional and genetic evidence.

Ambry Genetics
Classification: Uncertain significance for Cardiovascular phenotype. Last evaluated: 2024-06-05. Review status: criteria provided, single submitter. Criteria: Ambry Variant Classification Scheme 2023. Collection method: clinical testing. Allele origin: germline.
Comment: The p.G635S variant (also known as c.1903G>A), located in coding exon 11 of the LMNA gene, results from a G to A substitution at nucleotide position 1903. The glycine at codon 635 is replaced by serine, an amino acid with similar properties. This variant (referred to as NM_170708:c.1813G>A, p.G605S) has been detected in an individual from a dilated cardiomyopathy cohort; however, clinical details were limited (Haas J et al. Eur Heart J, 2015 May;36:1123-35a). This amino acid position is not well conserved in available vertebrate species. In addition, the in silico prediction for this alteration is inconclusive. Based on the available evidence, the clinical significance of this variant remains unclear.

All of Us Research Program, National Institutes of Health
Classification: Uncertain significance for Primary dilated cardiomyopathy. Last evaluated: 2023-02-24. Review status: criteria provided, single submitter. Criteria: ACMG Guidelines, 2015. Collection method: clinical testing. Allele origin: germline. Inheritance: Autosomal dominant inheritance. Observed: 1 variant allele, 1 heterozygote.
Comment: This missense variant replaces glycine with serine at codon 635 of the lamin A protein. Computational prediction suggests that this variant may not impact protein structure and function (internally defined REVEL score threshold <= 0.5, PMID: 27666373). To our knowledge, functional studies have not been reported for this variant. This variant has not been reported in individuals affected with LMNA-related disorders in the literature. This variant has not been identified in the general population by the Genome Aggregation Database (gnomAD). The available evidence is insufficient to determine the role of this variant in disease conclusively. Therefore, this variant is classified as a Variant of Uncertain Significance.

This study involves interpretation of variants in research participants for the purpose of population health screening. Participant phenotype was not available at the time of variant classification. Additional details can be found in publication PMID: 35346344, PMCID: PMC8962531

Literature cited by the submitters: PubMed 25163546 (cited by Ambry Genetics).